The following is an entry in ClinVar:

ClinVar aggregate classification (germline): Uncertain significance (1 of 4 stars; one submission).

Conditions:
Baller-Gerold syndrome (BGS). Also called: CRANIOSYNOSTOSIS WITH RADIAL DEFECTS. Identifiers: Orphanet 1225, MedGen C0265308, MONDO:0009039, OMIM 218600.

Submission:

Labcorp Genetics (formerly Invitae), Labcorp
Classification: Uncertain significance for Baller-Gerold syndrome. Last evaluated: 2025-08-18. Review status: criteria provided, single submitter. Criteria: Invitae Variant Classification Sherloc (09022015). Collection method: clinical testing. Allele origin: germline.
Comment: This sequence change affects codon 275 of the RECQL4 mRNA. It is a 'silent' change, meaning that it does not change the encoded amino acid sequence of the RECQL4 protein. This variant is not present in population databases (gnomAD no frequency). This variant has not been reported in the literature in individuals affected with RECQL4-related conditions. ClinVar contains an entry for this variant (Variation ID: 952989). Algorithms developed to predict the effect of sequence changes on RNA splicing suggest that this variant may create or strengthen a splice site. In summary, the available evidence is currently insufficient to determine the role of this variant in disease. Therefore, it has been classified as a Variant of Uncertain Significance.

NM_004260.4(RECQL4):c.825C>A (p.Val275=)

Gene: RECQL4 (RecQ like helicase 4; minus strand). Cytogenetic location: 8q24.3.
Variant type: single nucleotide variant.
Coding change: c.825C>A on transcript NM_004260.4 (MANE Select); coding-DNA position 825, C replaced by A.
Protein change: p.Val275=; no amino-acid change (valine 275 retained).
Molecular consequence: synonymous variant.
Genome position (GRCh38, 1-based): chr8:144,516,294, G>T on the plus strand (C>A on the coding strand, the complement: RECQL4 is on the minus strand). VCF-style: chr8-144516294-G-T. GRCh37 (hg19) VCF-style: chr8-145741678-G-T.
Identifiers: ClinVar variation 952989 (VCV000952989.6), dbSNP rs1814968623, ClinGen allele CA463567364.